The following is an entry in ClinVar:

ClinVar aggregate classification (germline): Uncertain significance (1 of 4 stars; one submission).

Conditions:
RASopathy. Also called: Noonan spectrum disorder; rasopathies. Identifiers: Orphanet 536391, MedGen C5555857, MONDO:0021060.

Allele frequency attached by ClinVar (database versions not stated): gnomAD 0.00001.
gnomAD v4.1: 14 of 1,613,984 alleles (0.00087%); highest among the groups gnomAD compares: Non-Finnish European, 0.0012%; no homozygotes.

Submission:

Labcorp Genetics (formerly Invitae), Labcorp
Classification: Uncertain significance for RASopathy. Last evaluated: 2022-10-22. Review status: criteria provided, single submitter. Criteria: Invitae Variant Classification Sherloc (09022015). Collection method: clinical testing. Allele origin: germline.
Comment: This sequence change replaces serine, which is neutral and polar, with arginine, which is basic and polar, at codon 86 of the SHOC2 protein (p.Ser86Arg). The frequency data for this variant in the population databases is considered unreliable, as metrics indicate poor data quality at this position in the gnomAD database. In summary, the available evidence is currently insufficient to determine the role of this variant in disease. Therefore, it has been classified as a Variant of Uncertain Significance. Advanced modeling of protein sequence and biophysical properties (such as structural, functional, and spatial information, amino acid conservation, physicochemical variation, residue mobility, and thermodynamic stability) performed at Invitae indicates that this missense variant is not expected to disrupt SHOC2 protein function. This variant has not been reported in the literature in individuals affected with SHOC2-related conditions.

NM_007373.4(SHOC2):c.258C>A (p.Ser86Arg)

Gene: SHOC2 (SHOC2 leucine rich repeat scaffold protein; plus strand). Cytogenetic location: 10q25.2.
Variant type: single nucleotide variant.
Coding change: c.258C>A on transcript NM_007373.4 (MANE Select); coding-DNA position 258, C replaced by A.
Protein change: p.Ser86Arg; replaces serine 86 with arginine.
Molecular consequence: missense variant.
Genome position (GRCh38, 1-based): chr10:110,964,616, C>A. VCF-style: chr10-110964616-C-A. GRCh37 (hg19) VCF-style: chr10-112724374-C-A.
Other names: c.258C>A, p.Ser86Arg (NM_001269039.3, NM_001324336.2, NM_001324337.2); short protein forms S86R.
Identifiers: ClinVar variation 2186845 (VCV002186845.4), dbSNP rs941025142, ClinGen allele CA213256954.